The following is an entry in ClinVar:

NM_017999.5(RNF31):c.1423G>T (p.Asp475Tyr)

Gene: RNF31 (ring finger protein 31; plus strand). Cytogenetic location: 14q12.
Variant type: single nucleotide variant.
Coding change: c.1423G>T on transcript NM_017999.5 (MANE Select); coding-DNA position 1423, G replaced by T.
Protein change: p.Asp475Tyr; replaces aspartic acid 475 with tyrosine.
Molecular consequence: missense variant.
Genome position (GRCh38, 1-based): chr14:24,150,823, G>T. VCF-style: chr14-24150823-G-T. GRCh37 (hg19) VCF-style: chr14-24620032-G-T.
Other names: c.970G>T, p.Asp324Tyr (NM_001310332.2); short protein forms D324Y, D475Y.
Identifiers: ClinVar variation 2887859 (VCV002887859.3), dbSNP rs1254554199, ClinGen allele CA389295721.

ClinVar aggregate classification (germline): Uncertain significance (1 of 4 stars; one submission).

Allele frequency attached by ClinVar (database versions not stated): gnomAD exomes 0.00001.
gnomAD v4.1: 9 of 1,592,780 alleles (0.00057%); highest among the groups gnomAD compares: Non-Finnish European, 0.00077%; no homozygotes.

Submission:

Labcorp Genetics (formerly Invitae), Labcorp
Classification: Uncertain significance. Last evaluated: 2025-09-26. Review status: criteria provided, single submitter. Criteria: Invitae Variant Classification Sherloc (09022015). Collection method: clinical testing. Allele origin: germline.
Comment: This sequence change replaces aspartic acid, which is acidic and polar, with tyrosine, which is neutral and polar, at codon 475 of the RNF31 protein (p.Asp475Tyr). This variant is not present in population databases (gnomAD no frequency). This variant has not been reported in the literature in individuals affected with RNF31-related conditions. ClinVar contains an entry for this variant (Variation ID: 2887859). An algorithm developed to predict the effect of missense changes on protein structure and function (PolyPhen-2) suggests that this variant is likely to be disruptive. In summary, the available evidence is currently insufficient to determine the role of this variant in disease. Therefore, it has been classified as a Variant of Uncertain Significance.